The following is an entry in ClinVar:

NM_000271.5(NPC1):c.1190A>G (p.Gln397Arg)

Gene: NPC1 (NPC intracellular cholesterol transporter 1; minus strand). Cytogenetic location: 18q11.2.
Variant type: single nucleotide variant.
Coding change: c.1190A>G on transcript NM_000271.5 (MANE Select); coding-DNA position 1190, A replaced by G.
Protein change: p.Gln397Arg; replaces glutamine 397 with arginine.
Molecular consequence: missense variant.
Genome position (GRCh38, 1-based): chr18:23,556,379, T>C on the plus strand (A>G on the coding strand, the complement: NPC1 is on the minus strand). VCF-style: chr18-23556379-T-C. GRCh37 (hg19) VCF-style: chr18-21136343-T-C.
Other names: short protein forms Q397R.
Identifiers: ClinVar variation 1989779 (VCV001989779.1), dbSNP rs754746184, ClinGen allele CA8913522.

ClinVar aggregate classification (germline): Uncertain significance (1 of 4 stars; one submission).

Conditions:
Niemann-Pick disease, type C1. Also called: NEUROVISCERAL STORAGE DISEASE WITH VERTICAL SUPRANUCLEAR OPHTHALMOPLEGIA; NIEMANN-PICK DISEASE WITH CHOLESTEROL ESTERIFICATION BLOCK; NIEMANN-PICK DISEASE WITHOUT SPHINGOMYELINASE DEFICIENCY; NIEMANN-PICK DISEASE, CHRONIC NEURONOPATHIC FORM; NIEMANN-PICK DISEASE, VARIANT TYPE C1. Identifiers: Orphanet 646, MedGen C3179455, MONDO:0009757, OMIM 257220.

Allele frequency attached by ClinVar (database versions not stated): ExAC 0.00001; gnomAD 0.00001; TOPMed 0.00002.
gnomAD v4.1: 2 of 1,614,026 alleles (0.00012%); highest among the groups gnomAD compares: African/African-American, 0.0027%; no homozygotes.

Submission:

Labcorp Genetics (formerly Invitae), Labcorp
Classification: Uncertain significance for Niemann-Pick disease, type C1. Last evaluated: 2021-12-28. Review status: criteria provided, single submitter. Criteria: Invitae Variant Classification Sherloc (09022015). Collection method: clinical testing. Allele origin: germline.
Comment: This sequence change replaces glutamine, which is neutral and polar, with arginine, which is basic and polar, at codon 397 of the NPC1 protein (p.Gln397Arg). This variant is present in population databases (rs754746184, gnomAD 0.007%). This variant has not been reported in the literature in individuals affected with NPC1-related conditions. Advanced modeling of protein sequence and biophysical properties (such as structural, functional, and spatial information, amino acid conservation, physicochemical variation, residue mobility, and thermodynamic stability) performed at Invitae indicates that this missense variant is not expected to disrupt NPC1 protein function. In summary, the available evidence is currently insufficient to determine the role of this variant in disease. Therefore, it has been classified as a Variant of Uncertain Significance.